The following is an entry in ClinVar:

ClinVar aggregate classification (germline): Uncertain significance (1 of 4 stars; one submission).

Submission:

GeneDx
Classification: Uncertain significance. Last evaluated: 2023-06-23. Review status: criteria provided, single submitter. Criteria: GeneDx Variant Classification Process June 2021. Collection method: clinical testing. Allele origin: germline. Affected: yes.
Comment: Not observed at significant frequency in large population cohorts (gnomAD); In silico analysis supports that this missense variant has a deleterious effect on protein structure/function; Has not been previously published as pathogenic or benign to our knowledge

NM_001378120.1(MBD5):c.308A>C (p.Lys103Thr)

Gene: MBD5 (methyl-CpG binding domain protein 5; plus strand). Cytogenetic location: 2q23.1.
Variant type: single nucleotide variant.
Coding change: c.308A>C on transcript NM_001378120.1 (MANE Select); coding-DNA position 308, A replaced by C.
Protein change: p.Lys103Thr; replaces lysine 103 with threonine.
Molecular consequence: missense variant.
Genome position (GRCh38, 1-based): chr2:148,463,830, A>C. VCF-style: chr2-148463830-A-C. GRCh37 (hg19) VCF-style: chr2-149221399-A-C.
Other names: c.308A>C, p.Lys103Thr (NM_018328.5); short protein forms K103T.
Identifiers: ClinVar variation 3360339 (VCV003360339.1).